The following is an entry in ClinVar:

NM_000226.4(KRT9):c.245G>A (p.Ser82Asn)

Gene: KRT9 (keratin 9; minus strand). Cytogenetic location: 17q21.2.
Variant type: single nucleotide variant.
Coding change: c.245G>A on transcript NM_000226.4 (MANE Select); coding-DNA position 245, G replaced by A.
Protein change: p.Ser82Asn; replaces serine 82 with asparagine.
Molecular consequence: missense variant.
Genome position (GRCh38, 1-based): chr17:41,571,748, C>T on the plus strand (G>A on the coding strand, the complement: KRT9 is on the minus strand). VCF-style: chr17-41571748-C-T. GRCh37 (hg19) VCF-style: chr17-39728000-C-T.
Other names: short protein forms S82N.
Identifiers: ClinVar variation 323139 (VCV000323139.38), dbSNP rs148867398, ClinGen allele CA8562282.

ClinVar aggregate classification (germline): Likely benign. Review status: criteria provided, multiple submitters, no conflicts (2 of 4 stars). 6 submissions from 6 submitters: Likely benign (5). 1 of the submissions does not count toward it. Last evaluated 2025-12-08.

Conditions:
KRT9-related disorder. Also called: KRT9-related condition.
Palmoplantar keratoderma, epidermolytic. Also called: Localized epidermolytic hyperkeratosis. Identifiers: MedGen C1721006, MONDO:0968949, HP:0007559.

Allele frequency attached by ClinVar (database versions not stated): 1000 Genomes Project 0.00080; 1000 Genomes Project 30x 0.00094; gnomAD 0.00220 and 0.00227; gnomAD exomes 0.00227; ExAC 0.00234; TOPMed 0.00244; ESP Exome Variant Server 0.00292.

Submissions (6):

Labcorp Genetics (formerly Invitae), Labcorp
Classification: Likely benign. Last evaluated: 2025-12-08. Review status: criteria provided, single submitter. Criteria: Invitae Variant Classification Sherloc (09022015). Collection method: clinical testing. Allele origin: germline.

Blueprint Genetics
Classification: Likely benign. Last evaluated: 2024-11-23. Review status: criteria provided, single submitter. Criteria: ACMG Guidelines, 2015. Collection method: clinical testing. Allele origin: germline.

CeGaT Center for Human Genetics Tuebingen
Classification: Likely benign. Last evaluated: 2024-11-01. Review status: criteria provided, single submitter. Criteria: CeGaT Center For Human Genetics Tuebingen Variant Classification Criteria Version 2. Collection method: clinical testing. Allele origin: germline. Affected: yes. Observed: 2 variant alleles.
Comment: KRT9: BS2

Illumina Laboratory Services, Illumina
Classification: Likely benign for Epidermolytic palmoplantar keratoderma, 1. Last evaluated: 2018-01-13. Review status: criteria provided, single submitter. Criteria: ICSL Variant Classification Criteria 13 December 2019. Collection method: clinical testing. Allele origin: germline.
Comment: This variant was observed in the ICSL laboratory as part of a predisposition screen in an ostensibly healthy population. It had not been previously curated by ICSL or reported in the Human Gene Mutation Database (HGMD: prior to June 1st, 2018), and was therefore a candidate for classification through an automated scoring system. Utilizing variant allele frequency, disease prevalence and penetrance estimates, and inheritance mode, an automated score was calculated to assess if this variant is too frequent to cause the disease. Based on the score and internal cut-off values, a variant classified as likely benign is not then subjected to further curation. The score for this variant resulted in a classification of likely benign for this disease.

Breakthrough Genomics
Classification: Likely benign. Review status: criteria provided, single submitter. Criteria: ACMG Guidelines, 2015. Collection method: not provided. Allele origin: germline. Inheritance: Autosomal dominant inheritance. Affected: yes.

PreventionGenetics, part of Exact Sciences
Classification: Likely benign for KRT9-related condition. Last evaluated: 2019-10-22. Review status: no assertion criteria provided. Collection method: clinical testing. Allele origin: germline. Not counted in ClinVar's aggregate classification.
Comment: This variant is classified as likely benign based on ACMG/AMP sequence variant interpretation guidelines (Richards et al. 2015 PMID: 25741868, with internal and published modifications).